The following is an entry in ClinVar:

ClinVar aggregate classification (germline): Uncertain significance. Review status: criteria provided, multiple submitters, no conflicts (2 of 4 stars). 2 submissions from 2 submitters: Uncertain significance (2). Last evaluated 2025-09-14.

Conditions:
Ullrich congenital muscular dystrophy 2 (UCMD2). Identifiers: Orphanet 75840, MedGen C4225314, MONDO:0014654, OMIM 616470.
Bethlem myopathy 2 (BTHLM2). Identifiers: Orphanet 536516, Orphanet 610, MedGen C4225313, MONDO:0034022, OMIM 616471.

gnomAD v4.1: 1 of 1,613,890 alleles (0.000062%); no homozygotes.

Submissions (2):

Labcorp Genetics (formerly Invitae), Labcorp
Classification: Uncertain significance for Bethlem myopathy 2; Ullrich congenital muscular dystrophy 2. Last evaluated: 2025-09-14. Review status: criteria provided, single submitter. Criteria: Invitae Variant Classification Sherloc (09022015). Collection method: clinical testing. Allele origin: germline.
Comment: This sequence change replaces alanine, which is neutral and non-polar, with glycine, which is neutral and non-polar, at codon 1294 of the COL12A1 protein (p.Ala1294Gly). This variant is not present in population databases (gnomAD no frequency). This missense change has been observed in individual(s) with clinical features of COL12A1-related conditions (PMID: 37079061). ClinVar contains an entry for this variant (Variation ID: 1017986). Invitae Evidence Modeling of protein sequence and biophysical properties (such as structural, functional, and spatial information, amino acid conservation, physicochemical variation, residue mobility, and thermodynamic stability) indicates that this missense variant is not expected to disrupt COL12A1 protein function with a negative predictive value of 80%. In summary, the available evidence is currently insufficient to determine the role of this variant in disease. Therefore, it has been classified as a Variant of Uncertain Significance.

Greenwood Genetic Center Diagnostic Laboratories, Greenwood Genetic Center
Classification: Uncertain significance. Last evaluated: 2023-03-01. Review status: criteria provided, single submitter. Criteria: ACMG Guidelines, 2015. Collection method: clinical testing. Allele origin: germline. Affected: yes.
Comment: PM2

Literature cited by the submitters: PubMed 37079061 (cited by Labcorp Genetics (formerly Invitae), Labcorp).

NM_004370.6(COL12A1):c.3881C>G (p.Ala1294Gly)

Gene: COL12A1 (collagen type XII alpha 1 chain; minus strand). Cytogenetic location: 6q13.
Variant type: single nucleotide variant.
Coding change: c.3881C>G on transcript NM_004370.6 (MANE Select); coding-DNA position 3881, C replaced by G.
Protein change: p.Ala1294Gly; replaces alanine 1294 with glycine.
Molecular consequence: missense variant.
Genome position (GRCh38, 1-based): chr6:75,151,986, G>C on the plus strand (C>G on the coding strand, the complement: COL12A1 is on the minus strand). VCF-style: chr6-75151986-G-C. GRCh37 (hg19) VCF-style: chr6-75861702-G-C.
Other names: c.389C>G, p.Ala130Gly (NM_080645.3); short protein forms A1294G, A130G.
Identifiers: ClinVar variation 1017986 (VCV001017986.9), dbSNP rs1231394496, ClinGen allele CA364748356.